The following is an entry in ClinVar:

NM_144631.6(ZNF513):c.1601G>A (p.Arg534Gln)

Gene: ZNF513 (zinc finger protein 513; minus strand). Cytogenetic location: 2p23.3.
Variant type: single nucleotide variant.
Coding change: c.1601G>A on transcript NM_144631.6 (MANE Select); coding-DNA position 1601, G replaced by A.
Protein change: p.Arg534Gln; replaces arginine 534 with glutamine.
Molecular consequence: missense variant.
Genome position (GRCh38, 1-based): chr2:27,377,570, C>T on the plus strand (G>A on the coding strand, the complement: ZNF513 is on the minus strand). VCF-style: chr2-27377570-C-T. GRCh37 (hg19) VCF-style: chr2-27600437-C-T.
Other names: c.1415G>A, p.Arg472Gln (NM_001201459.2); short protein forms R472Q, R534Q.
Identifiers: ClinVar variation 898632 (VCV000898632.12), dbSNP rs149397849, ClinGen allele CA1577764.

ClinVar aggregate classification (germline): Uncertain significance. Review status: criteria provided, multiple submitters, no conflicts (2 of 4 stars). 3 submissions from 3 submitters: Uncertain significance (3). Last evaluated 2025-02-07.

Conditions:
Retinitis pigmentosa (RP). Identifiers: Orphanet 791, MedGen C0035334, MeSH D012174, MONDO:0019200, OMIM 268000. Inheritance: Autosomal dominant, autosomal recessive and X linked inheritance.

Allele frequency attached by ClinVar (database versions not stated): TOPMed 0.00005; gnomAD exomes 0.00006 and 0.00013; gnomAD 0.00007 and 0.00008; ESP Exome Variant Server 0.00008; ExAC 0.00013.

Submissions (3):

Labcorp Genetics (formerly Invitae), Labcorp
Classification: Uncertain significance. Last evaluated: 2025-02-07. Review status: criteria provided, single submitter. Criteria: Invitae Variant Classification Sherloc (09022015). Collection method: clinical testing. Allele origin: germline.
Comment: This sequence change replaces arginine, which is basic and polar, with glutamine, which is neutral and polar, at codon 534 of the ZNF513 protein (p.Arg534Gln). This variant is present in population databases (rs149397849, gnomAD 0.1%), and has an allele count higher than expected for a pathogenic variant. This variant has not been reported in the literature in individuals affected with ZNF513-related conditions. ClinVar contains an entry for this variant (Variation ID: 898632). An algorithm developed to predict the effect of missense changes on protein structure and function (PolyPhen-2) suggests that this variant is likely to be tolerated. In summary, the available evidence is currently insufficient to determine the role of this variant in disease. Therefore, it has been classified as a Variant of Uncertain Significance.

Blueprint Genetics
Classification: Uncertain significance. Last evaluated: 2024-09-30. Review status: criteria provided, single submitter. Criteria: ACMG Guidelines, 2015. Collection method: clinical testing. Allele origin: germline.

Illumina Laboratory Services, Illumina
Classification: Uncertain significance for Retinitis pigmentosa. Last evaluated: 2018-01-12. Review status: criteria provided, single submitter. Criteria: ICSL Variant Classification Criteria 13 December 2019. Collection method: clinical testing. Allele origin: germline.